The following is an entry in ClinVar:

ClinVar aggregate classification (germline): Benign/Likely benign. Review status: criteria provided, multiple submitters, no conflicts (2 of 4 stars). 6 submissions from 6 submitters: Benign (2); Likely benign (4). Last evaluated 2026-01-13.

Conditions:
HSPG2-related disorder. Also called: HSPG2-related condition; HSPG2-related disorders.

Allele frequency attached by ClinVar (database versions not stated): gnomAD exomes 0.00032 and 0.00081; ExAC 0.00121; 1000 Genomes Project 30x 0.00328; gnomAD 0.00335 and 0.00351; 1000 Genomes Project 0.00339; ESP Exome Variant Server 0.00361; TOPMed 0.00371.
gnomAD v4.1: 1,006 of 1,611,550 alleles (0.062%); highest among the groups gnomAD compares: African/African-American, 1.2%; 5 homozygotes.

Submissions (6):

Labcorp Genetics (formerly Invitae), Labcorp
Classification: Benign. Last evaluated: 2026-01-13. Review status: criteria provided, single submitter. Criteria: Invitae Variant Classification Sherloc (09022015). Collection method: clinical testing. Allele origin: germline.

PreventionGenetics, part of Exact Sciences
Classification: Likely benign for HSPG2-related condition. Last evaluated: 2025-10-02. Review status: criteria provided, single submitter. Criteria: ACMG Guidelines, 2015. Collection method: clinical testing. Allele origin: germline.
Comment: This variant is classified as likely benign based on ACMG/AMP sequence variant interpretation guidelines (Richards et al. 2015 PMID: 25741868, with internal and published modifications).

Athena Diagnostics
Classification: Benign. Last evaluated: 2025-01-03. Review status: criteria provided, single submitter. Criteria: Athena Diagnostics Criteria. Collection method: clinical testing. Allele origin: unknown.
Comment: The frequency of this variant in the general population is higher than would generally be expected for pathogenic variants in this gene.

Blueprint Genetics
Classification: Likely benign. Last evaluated: 2024-11-11. Review status: criteria provided, single submitter. Criteria: ACMG Guidelines, 2015. Collection method: clinical testing. Allele origin: germline.

GeneDx
Classification: Likely benign. Last evaluated: 2021-10-24. Review status: criteria provided, single submitter. Criteria: GeneDx Variant Classification Process June 2021. Collection method: clinical testing. Allele origin: germline. Affected: yes.

ARUP Laboratories, Molecular Genetics and Genomics, ARUP Laboratories
Classification: Likely benign. Last evaluated: 2019-11-04. Review status: criteria provided, single submitter. Criteria: ARUP Molecular Germline Variant Investigation Process. Collection method: clinical testing. Allele origin: germline.

NM_005529.7(HSPG2):c.2850T>C (p.Pro950=)

Gene: HSPG2 (heparan sulfate proteoglycan 2; minus strand). Cytogenetic location: 1p36.12.
Variant type: single nucleotide variant.
Coding change: c.2850T>C on transcript NM_005529.7 (MANE Select); coding-DNA position 2850, T replaced by C.
Protein change: p.Pro950=; no amino-acid change (proline 950 retained).
Molecular consequence: synonymous variant.
Genome position (GRCh38, 1-based): chr1:21,876,382, A>G on the plus strand (T>C on the coding strand, the complement: HSPG2 is on the minus strand). VCF-style: chr1-21876382-A-G. GRCh37 (hg19) VCF-style: chr1-22202875-A-G.
Other names: c.2853T>C, p.Pro951= (NM_001291860.2).
Identifiers: ClinVar variation 711752 (VCV000711752.25), dbSNP rs115322282, ClinGen allele CA672832.
Genomic context (GRCh38, chr1:21,876,382, plus strand): 5'-GGAGAAGATGCCCTCGTTGGTGGTGTGGGTGCTTGCGGCGTTGGTCAGGCTGAAGTGACC[A>G]GGCTCCTCAGAGGCCCCATGCAACTGGGAGGAGGAGAAAGGGCTGGGATGGGGGCCGTGG-3'
Protein context (NP_005520.4, residues 940-960): RAQLHGASEE[Pro950=]GHFSLTNAAS